The following is an entry in ClinVar:

ClinVar aggregate classification (germline): Uncertain significance. Review status: criteria provided, multiple submitters, no conflicts (2 of 4 stars). 2 submissions from 2 submitters: Uncertain significance (2). Last evaluated 2025-10-28.

Conditions:
Inborn genetic diseases. Identifiers: MedGen C0950123, MeSH D030342.
Fanconi anemia (FA). Also called: Fanconi's anemia. Identifiers: Orphanet 84, MedGen C0015625, MeSH D005199, MONDO:0019391.

Allele frequency attached by ClinVar (database versions not stated): gnomAD exomes below 0.00001.
gnomAD v4.1: 2 of 1,610,548 alleles (0.00012%); highest among the groups gnomAD compares: Non-Finnish European, 0.00017%; no homozygotes.

Submissions (2):

Ambry Genetics
Classification: Uncertain significance for Inborn genetic diseases. Last evaluated: 2025-10-28. Review status: criteria provided, single submitter. Criteria: Ambry Variant Classification Scheme 2023. Collection method: clinical testing. Allele origin: germline.
Comment: The p.P1776L variant (also known as c.5327C>T), located in coding exon 20 of the FANCM gene, results from a C to T substitution at nucleotide position 5327. The proline at codon 1776 is replaced by leucine, an amino acid with similar properties. This amino acid position is conserved. In addition, this alteration is predicted to be tolerated by in silico analysis. Based on the available evidence, the clinical significance of this variant remains unclear.

Labcorp Genetics (formerly Invitae), Labcorp
Classification: Uncertain significance for Fanconi anemia. Last evaluated: 2023-05-16. Review status: criteria provided, single submitter. Criteria: Invitae Variant Classification Sherloc (09022015). Collection method: clinical testing. Allele origin: germline.
Comment: In summary, the available evidence is currently insufficient to determine the role of this variant in disease. Therefore, it has been classified as a Variant of Uncertain Significance. Algorithms developed to predict the effect of sequence changes on RNA splicing suggest that this variant may create or strengthen a splice site. Algorithms developed to predict the effect of missense changes on protein structure and function output the following: SIFT: "Not Available"; PolyPhen-2: "Benign"; Align-GVGD: "Not Available". The leucine amino acid residue is found in multiple mammalian species, which suggests that this missense change does not adversely affect protein function. This variant has not been reported in the literature in individuals affected with FANCM-related conditions. This variant is not present in population databases (gnomAD no frequency). This sequence change replaces proline, which is neutral and non-polar, with leucine, which is neutral and non-polar, at codon 1776 of the FANCM protein (p.Pro1776Leu).

NM_020937.4(FANCM):c.5327C>T (p.Pro1776Leu)

Gene: FANCM (FA complementation group M; plus strand). Cytogenetic location: 14q21.2.
Variant type: single nucleotide variant.
Coding change: c.5327C>T on transcript NM_020937.4 (MANE Select); coding-DNA position 5327, C replaced by T.
Protein change: p.Pro1776Leu; replaces proline 1776 with leucine.
Molecular consequence: missense variant.
Genome position (GRCh38, 1-based): chr14:45,189,349, C>T. VCF-style: chr14-45189349-C-T. GRCh37 (hg19) VCF-style: chr14-45658552-C-T.
Other names: c.5249C>T, p.Pro1750Leu (NM_001308133.2); short protein forms P1750L, P1776L.
Identifiers: ClinVar variation 2836417 (VCV002836417.4), dbSNP rs1889622469, ClinGen allele CA389613345.